The following is an entry in ClinVar:

NM_025132.4(WDR19):c.2786G>C (p.Arg929Pro)

Gene: WDR19 (WD repeat domain 19; plus strand). Cytogenetic location: 4p14.
Variant type: single nucleotide variant.
Coding change: c.2786G>C on transcript NM_025132.4 (MANE Select); coding-DNA position 2786, G replaced by C.
Protein change: p.Arg929Pro; replaces arginine 929 with proline.
Molecular consequence: missense variant.
Genome position (GRCh38, 1-based): chr4:39,253,202, G>C. VCF-style: chr4-39253202-G-C. GRCh37 (hg19) VCF-style: chr4-39254822-G-C.
Other names: c.2306G>C, p.Arg769Pro (NM_001317924.2); short protein forms R769P, R929P.
Identifiers: ClinVar variation 802069 (VCV000802069.7), dbSNP rs201685269, ClinGen allele CA356641268.
Genomic context (GRCh38, chr4:39,253,202, plus strand): 5'-ACAGATACAAAGAAGCTGTTGTAGCTTATGAAAATGCAAAACAGTGGCAAAGTGTAATCC[G>C]CATCTATCTGGATCACCTCAATAATCCTGAAAAAGCTGTCAATATTGTTAGAGAGACCCA-3'
Protein context (NP_079408.3, residues 919-939): ENAKQWQSVI[Arg929Pro]IYLDHLNNPE

ClinVar aggregate classification (germline): Uncertain significance. Review status: criteria provided, multiple submitters, no conflicts (2 of 4 stars). 2 submissions from 2 submitters: Uncertain significance (2). Last evaluated 2024-06-27.

Conditions:
Asphyxiating thoracic dystrophy 5 (SRTD5). Also called: SHORT-RIB THORACIC DYSPLASIA 5 WITH OR WITHOUT POLYDACTYLY; SHORT-RIB THORACIC DYSPLASIA 5 WITHOUT POLYDACTYLY. Identifiers: Orphanet 474, MedGen C3280598, MONDO:0013717, OMIM 614376.
Senior-Loken syndrome 8 (SLSN8). Identifiers: Orphanet 3156, MedGen C4225376, MONDO:0014579, OMIM 616307.

Submissions (2):

Mendelics
Classification: Uncertain significance for Asphyxiating thoracic dystrophy 5. Last evaluated: 2024-06-27. Review status: criteria provided, single submitter. Criteria: Mendelics Assertion Criteria 2017. Collection method: clinical testing. Allele origin: unknown.

Labcorp Genetics (formerly Invitae), Labcorp
Classification: Uncertain significance for Senior-Loken syndrome 8; Asphyxiating thoracic dystrophy 5. Last evaluated: 2023-04-04. Review status: criteria provided, single submitter. Criteria: Invitae Variant Classification Sherloc (09022015). Collection method: clinical testing. Allele origin: germline.
Comment: This variant has not been reported in the literature in individuals affected with WDR19-related conditions. This sequence change replaces arginine, which is basic and polar, with proline, which is neutral and non-polar, at codon 929 of the WDR19 protein (p.Arg929Pro). This variant is not present in population databases (gnomAD no frequency). ClinVar contains an entry for this variant (Variation ID: 802069). Advanced modeling of protein sequence and biophysical properties (such as structural, functional, and spatial information, amino acid conservation, physicochemical variation, residue mobility, and thermodynamic stability) has been performed at Invitae for this missense variant, however the output from this modeling did not meet the statistical confidence thresholds required to predict the impact of this variant on WDR19 protein function. In summary, the available evidence is currently insufficient to determine the role of this variant in disease. Therefore, it has been classified as a Variant of Uncertain Significance.